The following is an entry in ClinVar:

ClinVar aggregate classification (germline): Uncertain significance. Review status: criteria provided, multiple submitters, no conflicts (2 of 4 stars). 3 submissions from 3 submitters: Uncertain significance (3). Last evaluated 2023-04-11.

Conditions:
Inborn genetic diseases. Identifiers: MedGen C0950123, MeSH D030342.
Developmental and epileptic encephalopathy, 18 (DEE18). Also called: Early infantile epileptic encephalopathy 18. Identifiers: Orphanet 369894, MedGen C3809624, MONDO:0014201, OMIM 615476.

Allele frequency attached by ClinVar (database versions not stated): TOPMed 0.00001.
gnomAD v4.1: 14 of 1,614,006 alleles (0.00087%); highest among the groups gnomAD compares: African/African-American, 0.0013%; no homozygotes.

Submissions (3):

Genome-Nilou Lab
Classification: Uncertain significance for Developmental and epileptic encephalopathy, 18. Last evaluated: 2023-04-11. Review status: criteria provided, single submitter. Criteria: ACMG Guidelines, 2015. Collection method: clinical testing. Allele origin: germline. Affected: no.

Ambry Genetics
Classification: Uncertain significance for Inborn genetic diseases. Last evaluated: 2022-04-08. Review status: criteria provided, single submitter. Criteria: Ambry Variant Classification Scheme 2023. Collection method: clinical testing. Allele origin: germline.

Labcorp Genetics (formerly Invitae), Labcorp
Classification: Uncertain significance. Last evaluated: 2021-09-02. Review status: criteria provided, single submitter. Criteria: Invitae Variant Classification Sherloc (09022015). Collection method: clinical testing. Allele origin: germline.
Comment: This sequence change replaces arginine with histidine at codon 2322 of the SZT2 protein (p.Arg2322His). The arginine residue is highly conserved and there is a small physicochemical difference between arginine and histidine. This variant is not present in population databases (ExAC no frequency). This variant has not been reported in the literature in individuals affected with SZT2-related conditions. Algorithms developed to predict the effect of missense changes on protein structure and function are either unavailable or do not agree on the potential impact of this missense change (SIFT: "Deleterious"; PolyPhen-2: "Probably Damaging"; Align-GVGD: "Class C0"). In summary, the available evidence is currently insufficient to determine the role of this variant in disease. Therefore, it has been classified as a Variant of Uncertain Significance.

NM_001365999.1(SZT2):c.7136G>A (p.Arg2379His)

Gene: SZT2 (SZT2 subunit of KICSTOR complex; plus strand). Cytogenetic location: 1p34.2.
Variant type: single nucleotide variant.
Coding change: c.7136G>A on transcript NM_001365999.1 (MANE Select); coding-DNA position 7136, G replaced by A.
Protein change: p.Arg2379His; replaces arginine 2379 with histidine.
Molecular consequence: missense variant.
Genome position (GRCh38, 1-based): chr1:43,439,974, G>A. VCF-style: chr1-43439974-G-A. GRCh37 (hg19) VCF-style: chr1-43905645-G-A.
Other names: c.6965G>A, p.Arg2322His (NM_015284.4); c.6965G>A (NM_015284.3); short protein forms R2379H, R2322H.
Identifiers: ClinVar variation 1040984 (VCV001040984.7), dbSNP rs1204610877, ClinGen allele CA340033473.
Genomic context (GRCh38, chr1:43,439,974, plus strand): 5'-TGTGGGAAAAGGGGAACATTAGTATTGTGCAGCTGGAGGAGAAACTCCGAGGAGCAGCTC[G>A]CCAGGCCCTGGCCGATGCCATCATCGAGCTTCAGCTGCTGCCAGCTTCACTATGTACAGA-3'
Protein context (NP_001352928.1, residues 2369-2389): QLEEKLRGAA[Arg2379His]QALADAIIEL